The following is an entry in ClinVar:

NM_000352.6(ABCC8):c.413-15A>G

Gene: ABCC8 (ATP binding cassette subfamily C member 8; minus strand). Cytogenetic location: 11p15.1.
Variant type: single nucleotide variant.
Coding change: c.413-15A>G on transcript NM_000352.6 (MANE Select); 15 bases into the intron before coding-DNA position 413, A replaced by G.
Molecular consequence: intron variant.
Genome position (GRCh38, 1-based): chr11:17,463,619, T>C on the plus strand (A>G on the coding strand, the complement: ABCC8 is on the minus strand). VCF-style: chr11-17463619-T-C. GRCh37 (hg19) VCF-style: chr11-17485166-T-C.
Other names: c.413-15A>G (NM_001351297.2, NM_001351296.2, NM_001351295.2 and 1 more transcripts).
Identifiers: ClinVar variation 303787 (VCV000303787.10), dbSNP rs758744263, ClinGen allele CA5903875.
Genomic context (GRCh38, chr11:17,463,619, plus strand): 5'-TTGATGGTCTTGGTGATGAAGGCCAGGGTCCAATACACCAGCAGGGCTGCCGAGGAGAGA[T>C]GGAAGATCGCAGAGACGTGTGTGCATCATGTGTGTACACTCACATAATGTGTGCAAGTAT-3'

ClinVar aggregate classification (germline): Conflicting classifications of pathogenicity. Review status: criteria provided, conflicting classifications (1 of 4 stars). 6 submissions from 3 submitters: Uncertain significance (4); Benign (1); Likely benign (1). Last evaluated 2024-03-16.

Conditions:
Transitory neonatal diabetes mellitus. Also called: Transient neonatal diabetes mellitus. Identifiers: MedGen C0342273, MONDO:0020525, HP:0008255.
Maturity-onset diabetes of the young (MODY). Also called: Maturity onset diabetes mellitus in young. Identifiers: Orphanet 552, MedGen C0342276, MONDO:0018911, HP:0004904.
Hyperinsulinemic hypoglycemia, familial, 1 (HHF1). Also called: Persistent hyperinsulinemic hypoglycemia of infancy; HYPERINSULINISM, FAMILIAL, WITH PANCREATIC NESIDIOBLASTOSIS; HYPOGLYCEMIA, HYPERINSULINEMIC, OF INFANCY; NESIDIOBLASTOSIS OF PANCREAS; Persistent Hyperinsulinemia Hypoglycemia of Infancy. Identifiers: Orphanet 276575, Orphanet 276598, MedGen C2931832, MONDO:0009734, OMIM 256450.
Diabetes mellitus, transient neonatal, 2 (TNDM2). Identifiers: Orphanet 99886, MedGen C1835887, MONDO:0012480, OMIM 610374. Disease mechanism: loss of function.
Permanent neonatal diabetes mellitus (PNDM). Identifiers: Orphanet 99885, MedGen C1833104, MONDO:0100164, MONDO:0011643. Disease mechanism: gain of function.

Allele frequency attached by ClinVar (database versions not stated): TOPMed 0.00001; gnomAD exomes 0.00003; ExAC 0.00007.
gnomAD v4.1: 26 of 1,564,826 alleles (0.0017%); highest among the groups gnomAD compares: Middle Eastern, 0.033%; no homozygotes.

Submissions (6):

Labcorp Genetics (formerly Invitae), Labcorp
Classification: Likely benign. Last evaluated: 2024-03-16. Review status: criteria provided, single submitter. Criteria: Invitae Variant Classification Sherloc (09022015). Collection method: clinical testing. Allele origin: germline.

Illumina Laboratory Services, Illumina
Classification: Uncertain significance for Hyperinsulinemic hypoglycemia, familial, 1. Last evaluated: 2018-01-12. Review status: criteria provided, single submitter. Criteria: ICSL Variant Classification Criteria 13 December 2019. Collection method: clinical testing. Allele origin: germline.

Illumina Laboratory Services, Illumina
Classification: Benign for Diabetes mellitus, transient neonatal, 2. Last evaluated: 2018-01-12. Review status: criteria provided, single submitter. Criteria: ICSL Variant Classification Criteria 13 December 2019. Collection method: clinical testing. Allele origin: germline.
Comment: This variant was observed in the ICSL laboratory as part of a predisposition screen in an ostensibly healthy population. It had not been previously curated by ICSL or reported in the Human Gene Mutation Database (HGMD: prior to June 1st, 2018), and was therefore a candidate for classification through an automated scoring system. Utilizing variant allele frequency, disease prevalence and penetrance estimates, and inheritance mode, an automated score was calculated to assess if this variant is too frequent to cause the disease. Based on the score and internal cut-off values, a variant classified as benign is not then subjected to further curation. The score for this variant resulted in a classification of benign for this disease.

Illumina Laboratory Services, Illumina
Classification: Uncertain significance for Permanent neonatal diabetes mellitus 1. Last evaluated: 2018-01-12. Review status: criteria provided, single submitter. Criteria: ICSL Variant Classification Criteria 13 December 2019. Collection method: clinical testing. Allele origin: germline.

Clinical Genomics, Uppaluri K&H Personalized Medicine Clinic
Classification: Uncertain significance for Maturity-onset diabetes of the young. Review status: criteria provided, single submitter. Criteria: K & H Uppaluri Personalized Medicine Clinic Variant Classification & Assertion Criteria_Updated V.1. Collection method: research. Allele origin: unknown. Inheritance: Somatic mutation.
Comment: Mutations in ABCC8 gene are associated with both neonatal diabetes mellitus as well as MODY. Patients with this mutation may have a better response to sulfonylureas. However, no sufficient evidence is found to ascertain the role of this particular variant ( rs758744263) in MODY yet.

Clinical Genomics, Uppaluri K&H Personalized Medicine Clinic
Classification: Uncertain significance for Transitory neonatal diabetes mellitus. Review status: criteria provided, single submitter. Criteria: K & H Uppaluri Personalized Medicine Clinic Variant Classification & Assertion Criteria_Updated V.1. Collection method: research. Allele origin: unknown. Inheritance: Somatic mutation.
Comment: Mutations in ABCC8 gene are associated with both neonatal diabetes mellitus as well as MODY. Patients with this mutation may have a better response to sulfonylureas. However, no sufficient evidence is found to ascertain the role of this particular variant ( rs758744263) in neonatal diabetes yet.

Literature cited by the submitters: PubMed 16885549 (cited by Clinical Genomics, Uppaluri K&H Personalized Medicine Clinic); PubMed 21989597 (cited by Clinical Genomics, Uppaluri K&H Personalized Medicine Clinic); PubMed 27538677 (cited by Clinical Genomics, Uppaluri K&H Personalized Medicine Clinic); PubMed 18981553 (cited by Clinical Genomics, Uppaluri K&H Personalized Medicine Clinic); PubMed 32027066 (cited by Clinical Genomics, Uppaluri K&H Personalized Medicine Clinic); PubMed 16613899 (cited by Clinical Genomics, Uppaluri K&H Personalized Medicine Clinic); PubMed 18025408 (cited by Clinical Genomics, Uppaluri K&H Personalized Medicine Clinic); PubMed 32792356 (cited by Clinical Genomics, Uppaluri K&H Personalized Medicine Clinic).